The following is an entry in ClinVar:

ClinVar aggregate classification (germline): Likely benign. Review status: criteria provided, multiple submitters, no conflicts (2 of 4 stars). 2 submissions from 2 submitters: Likely benign (2). Last evaluated 2025-01-01.

gnomAD v4.1: 289 of 1,610,310 alleles (0.018%); highest among the groups gnomAD compares: Non-Finnish European, 0.023%; no homozygotes.

Submissions (2):

CeGaT Center for Human Genetics Tuebingen
Classification: Likely benign. Last evaluated: 2025-01-01. Review status: criteria provided, single submitter. Criteria: CeGaT Center For Human Genetics Tuebingen Variant Classification Criteria Version 2. Collection method: clinical testing. Allele origin: germline. Affected: yes. Observed: 2 variant alleles.
Comment: HYDIN: PM2:Supporting, BP4, BP7

Blueprint Genetics
Classification: Likely benign. Last evaluated: 2023-12-12. Review status: criteria provided, single submitter. Criteria: ACMG Guidelines, 2015. Collection method: clinical testing. Allele origin: germline.

NM_001270974.2(HYDIN):c.15357C>A (p.Ile5119=)

Gene: HYDIN (HYDIN axonemal central pair apparatus protein; minus strand). Cytogenetic location: 16q22.2.
Variant type: single nucleotide variant.
Coding change: c.15357C>A on transcript NM_001270974.2 (MANE Select); coding-DNA position 15357, C replaced by A.
Protein change: p.Ile5119=; no amino-acid change (isoleucine 5119 retained).
Molecular consequence: synonymous variant.
Genome position (GRCh38, 1-based): chr16:70,807,589, G>T on the plus strand (C>A on the coding strand, the complement: HYDIN is on the minus strand). VCF-style: chr16-70807589-G-T. GRCh37 (hg19) VCF-style: chr16-70841492-G-T.
Identifiers: ClinVar variation 3388050 (VCV003388050.15).